The following is an entry in ClinVar:

ClinVar aggregate classification (germline): Uncertain significance (1 of 4 stars; one submission).

Conditions:
Combined immunodeficiency due to DOCK8 deficiency (HIES2). Also called: HIES autosomal recessive; HYPER-IgE RECURRENT INFECTION SYNDROME 2, AUTOSOMAL RECESSIVE; DOCK8 Deficiency; HYPER-IgE SYNDROME 2, AUTOSOMAL RECESSIVE, WITH RECURRENT INFECTIONS; Hyper-IgE recurrent infection syndrome, autosomal recessive. Identifiers: Orphanet 217390, MedGen C4722305, MONDO:0009478, OMIM 243700.

Submission:

Labcorp Genetics (formerly Invitae), Labcorp
Classification: Uncertain significance for Combined immunodeficiency due to DOCK8 deficiency. Last evaluated: 2023-11-24. Review status: criteria provided, single submitter. Criteria: Invitae Variant Classification Sherloc (09022015). Collection method: clinical testing. Allele origin: germline.
Comment: This sequence change replaces leucine, which is neutral and non-polar, with phenylalanine, which is neutral and non-polar, at codon 1626 of the DOCK8 protein (p.Leu1626Phe). This variant is not present in population databases (gnomAD no frequency). This variant has not been reported in the literature in individuals affected with DOCK8-related conditions. ClinVar contains an entry for this variant (Variation ID: 2109148). Advanced modeling of protein sequence and biophysical properties (such as structural, functional, and spatial information, amino acid conservation, physicochemical variation, residue mobility, and thermodynamic stability) performed at Invitae indicates that this missense variant is expected to disrupt DOCK8 protein function with a positive predictive value of 80%. In summary, the available evidence is currently insufficient to determine the role of this variant in disease. Therefore, it has been classified as a Variant of Uncertain Significance.

NM_203447.4(DOCK8):c.4876C>T (p.Leu1626Phe)

Gene: DOCK8 (dedicator of cytokinesis 8; plus strand). Cytogenetic location: 9p24.3.
Variant type: single nucleotide variant.
Coding change: c.4876C>T on transcript NM_203447.4 (MANE Select); coding-DNA position 4876, C replaced by T.
Protein change: p.Leu1626Phe; replaces leucine 1626 with phenylalanine.
Molecular consequence: missense variant.
Genome position (GRCh38, 1-based): chr9:433,965, C>T. VCF-style: chr9-433965-C-T. GRCh37 (hg19) VCF-style: chr9-433965-C-T.
Other names: c.4576C>T, p.Leu1526Phe (NM_001190458.2); c.4672C>T, p.Leu1558Phe (NM_001193536.2); short protein forms L1526F, L1558F, L1626F.
Identifiers: ClinVar variation 2109148 (VCV002109148.4), dbSNP rs2056806823, ClinGen allele CA372767137.
Genomic context (GRCh38, chr9:433,965, plus strand): 5'-ATCTTATATGACACAGTGAAAATGAGGGAATTTCAGGAAGATCCTGAGATGCTTATGGAT[C>T]TCATGTACAGGTAAGCTTTCCTGACACACTCAAGGGACACCATTTGGGGGTCGAGGATTT-3'
Protein context (NP_982272.2, residues 1616-1636): FQEDPEMLMD[Leu1626Phe]MYRIAKSYQA